The following is an entry in ClinVar:

ClinVar aggregate classification (germline): Conflicting classifications of pathogenicity. Review status: criteria provided, conflicting classifications (1 of 4 stars). 3 submissions from 3 submitters: Uncertain significance (1); Likely benign (2). Last evaluated 2026-04-16.

Conditions:
Inborn genetic diseases. Identifiers: MedGen C0950123, MeSH D030342.
KMT2A-related disorder. Also called: KMT2A-related condition.

Allele frequency attached by ClinVar (database versions not stated): ExAC 0.00002; TOPMed 0.00007; gnomAD 0.00008 and 0.00009.
gnomAD v4.1: 34 of 1,613,960 alleles (0.0021%); highest among the groups gnomAD compares: African/African-American, 0.019%; no homozygotes.

Submissions (3):

PreventionGenetics, part of Exact Sciences
Classification: Likely benign for KMT2A-related condition. Last evaluated: 2026-04-16. Review status: criteria provided, single submitter. Criteria: ACMG Guidelines, 2015. Collection method: clinical testing. Allele origin: germline.
Comment: This variant is classified as likely benign based on ACMG/AMP sequence variant interpretation guidelines (Richards et al. 2015 PMID: 25741868, with internal and published modifications).

Labcorp Genetics (formerly Invitae), Labcorp
Classification: Uncertain significance. Last evaluated: 2025-10-23. Review status: criteria provided, single submitter. Criteria: Invitae Variant Classification Sherloc (09022015). Collection method: clinical testing. Allele origin: germline.
Comment: This sequence change replaces glycine, which is neutral and non-polar, with serine, which is neutral and polar, at codon 2352 of the KMT2A protein (p.Gly2352Ser). This variant is present in population databases (rs201869352, gnomAD 0.02%). This variant has not been reported in the literature in individuals affected with KMT2A-related conditions. ClinVar contains an entry for this variant (Variation ID: 1347563). Invitae Evidence Modeling of protein sequence and biophysical properties (such as structural, functional, and spatial information, amino acid conservation, physicochemical variation, residue mobility, and thermodynamic stability) indicates that this missense variant is not expected to disrupt KMT2A protein function with a negative predictive value of 95%. In summary, the available evidence is currently insufficient to determine the role of this variant in disease. Therefore, it has been classified as a Variant of Uncertain Significance.

Ambry Genetics
Classification: Likely benign for Inborn genetic diseases. Last evaluated: 2022-11-08. Review status: criteria provided, single submitter. Criteria: Ambry Variant Classification Scheme 2023. Collection method: clinical testing. Allele origin: germline.

NM_001197104.2(KMT2A):c.7054G>A (p.Gly2352Ser)

Gene: KMT2A (lysine methyltransferase 2A; plus strand). Cytogenetic location: 11q23.3.
Variant type: single nucleotide variant.
Coding change: c.7054G>A on transcript NM_001197104.2 (MANE Select); coding-DNA position 7054, G replaced by A.
Protein change: p.Gly2352Ser; replaces glycine 2352 with serine.
Molecular consequence: missense variant.
Genome position (GRCh38, 1-based): chr11:118,502,946, G>A. VCF-style: chr11-118502946-G-A. GRCh37 (hg19) VCF-style: chr11-118373661-G-A.
Other names: c.7045G>A, p.Gly2349Ser (NM_005933.4); c.7054G>A (NM_001197104.1); short protein forms G2349S, G2352S.
Identifiers: ClinVar variation 1347563 (VCV001347563.8), dbSNP rs201869352, ClinGen allele CA6304348.